The following is an entry in ClinVar:

NM_005477.3(HCN4):c.8A>T (p.Lys3Met)

Gene: HCN4 (hyperpolarization activated cyclic nucleotide gated potassium channel 4; minus strand). Cytogenetic location: 15q24.1.
Variant type: single nucleotide variant.
Coding change: c.8A>T on transcript NM_005477.3 (MANE Select); coding-DNA position 8, A replaced by T.
Protein change: p.Lys3Met; replaces lysine 3 with methionine.
Molecular consequence: missense variant.
Genome position (GRCh38, 1-based): chr15:73,368,263, T>A on the plus strand (A>T on the coding strand, the complement: HCN4 is on the minus strand). VCF-style: chr15-73368263-T-A. GRCh37 (hg19) VCF-style: chr15-73660604-T-A.
Other names: short protein forms K3M.
Identifiers: ClinVar variation 2723939 (VCV002723939.3), dbSNP rs1267513363, ClinGen allele CA393099282.

ClinVar aggregate classification (germline): Uncertain significance (1 of 4 stars; one submission).

Conditions:
Brugada syndrome 8 (BRGDA8). Identifiers: Orphanet 130, MedGen C2751083, MONDO:0013148, OMIM 613123.

Submission:

Labcorp Genetics (formerly Invitae), Labcorp
Classification: Uncertain significance for Brugada syndrome 8. Last evaluated: 2023-06-22. Review status: criteria provided, single submitter. Criteria: Invitae Variant Classification Sherloc (09022015). Collection method: clinical testing. Allele origin: germline.
Comment: This sequence change replaces lysine, which is basic and polar, with methionine, which is neutral and non-polar, at codon 3 of the HCN4 protein (p.Lys3Met). This variant is not present in population databases (gnomAD no frequency). This variant has not been reported in the literature in individuals affected with HCN4-related conditions. Advanced modeling of protein sequence and biophysical properties (such as structural, functional, and spatial information, amino acid conservation, physicochemical variation, residue mobility, and thermodynamic stability) performed at Invitae indicates that this missense variant is not expected to disrupt HCN4 protein function. In summary, the available evidence is currently insufficient to determine the role of this variant in disease. Therefore, it has been classified as a Variant of Uncertain Significance.